The following is an entry in ClinVar:

ClinVar aggregate classification (germline): Uncertain significance (1 of 4 stars; one submission).

gnomAD v4.1: 11 of 1,584,648 alleles (0.00069%); highest among the groups gnomAD compares: Non-Finnish European, 0.00086%; no homozygotes.

Submission:

Women's Health and Genetics/Laboratory Corporation of America, LabCorp
Classification: Uncertain significance. Last evaluated: 2025-04-15. Review status: criteria provided, single submitter. Criteria: LabCorp Variant Classification Summary - May 2015. Collection method: clinical testing. Allele origin: germline.
Comment: Variant summary: BRPF1 c.1854+4A>C alters a conserved nucleotide located close to a canonical splice site and therefore could affect mRNA splicing, leading to a significantly altered protein sequence. Several computational tools predict a significant impact on normal splicing: Four predict the variant weakens a 5' donor site. However, these predictions have yet to be confirmed by functional studies. The variant was absent in 229570 control chromosomes. The available data on variant occurrences in the general population are insufficient to allow any conclusion about variant significance. To our knowledge, no occurrence of c.1854+4A>C in individuals affected with Intellectual Developmental Disorder With Dysmorphic Facies And Ptosis and no experimental evidence demonstrating its impact on protein function have been reported. No submitters have cited clinical-significance assessments for this variant to ClinVar. Based on the evidence outlined above, the variant was classified as uncertain significance.

NM_001003694.2(BRPF1):c.1854+4A>C

Gene: BRPF1 (bromodomain and PHD finger containing 1; plus strand). Cytogenetic location: 3p25.3.
Variant type: single nucleotide variant.
Coding change: c.1854+4A>C on transcript NM_001003694.2 (MANE Select); 4 bases into the intron after coding-DNA position 1854, A replaced by C.
Molecular consequence: intron variant.
Genome position (GRCh38, 1-based): chr3:9,741,443, A>C. VCF-style: chr3-9741443-A-C. GRCh37 (hg19) VCF-style: chr3-9783127-A-C.
Other names: c.1854+4A>C (NM_001410704.1, NM_004634.3, NM_001319049.2 and 1 more transcripts).
Identifiers: ClinVar variation 3896248 (VCV003896248.2).